The following is an entry in ClinVar:

ClinVar aggregate classification (germline): Uncertain significance. Review status: criteria provided, multiple submitters, no conflicts (2 of 4 stars). 2 submissions from 2 submitters: Uncertain significance (2). Last evaluated 2025-09-30.

Conditions:
NOTCH2-related disorder. Also called: NOTCH2-related condition.
Hajdu-Cheney syndrome (HJCYS). Also called: ACROOSTEOLYSIS WITH OSTEOPOROSIS AND CHANGES IN SKULL AND MANDIBLE; Acroosteolysis dominant type; SERPENTINE FIBULA-POLYCYSTIC KIDNEY SYNDROME. Identifiers: Orphanet 955, MedGen C0917715, MONDO:0007057, OMIM 102500.

Allele frequency attached by ClinVar (database versions not stated): gnomAD exomes below 0.00001.
gnomAD v4.1: 2 of 1,596,814 alleles (0.00013%); highest among the groups gnomAD compares: Admixed American, 0.0033%; no homozygotes.

Submissions (2):

Labcorp Genetics (formerly Invitae), Labcorp
Classification: Uncertain significance for Hajdu-Cheney syndrome. Last evaluated: 2025-09-30. Review status: criteria provided, single submitter. Criteria: Invitae Variant Classification Sherloc (09022015). Collection method: clinical testing. Allele origin: germline.
Comment: This sequence change falls in intron 17 of the NOTCH2 gene. It does not directly change the encoded amino acid sequence of the NOTCH2 protein. This variant is not present in population databases (gnomAD no frequency). This variant has not been reported in the literature in individuals affected with NOTCH2-related conditions. ClinVar contains an entry for this variant (Variation ID: 2144553). Algorithms developed to predict the effect of sequence changes on RNA splicing suggest that this variant may disrupt the consensus splice site. In summary, the available evidence is currently insufficient to determine the role of this variant in disease. Therefore, it has been classified as a Variant of Uncertain Significance.

PreventionGenetics, part of Exact Sciences
Classification: Uncertain significance for NOTCH2-related condition. Last evaluated: 2023-08-10. Review status: criteria provided, single submitter. Criteria: ACMG Guidelines, 2015. Collection method: clinical testing. Allele origin: germline.
Comment: The NOTCH2 c.2753-8T>A variant is predicted to interfere with splicing. To our knowledge, this variant has not been reported in the literature or in a large population database, indicating this variant is rare. At this time, the clinical significance of this variant is uncertain due to the absence of conclusive functional and genetic evidence.

NM_024408.4(NOTCH2):c.2753-8T>A

Gene: NOTCH2 (notch receptor 2; minus strand). Cytogenetic location: 1p12.
Variant type: single nucleotide variant.
Coding change: c.2753-8T>A on transcript NM_024408.4 (MANE Select); 8 bases into the intron before coding-DNA position 2753, T replaced by A.
Molecular consequence: intron variant.
Genome position (GRCh38, 1-based): chr1:119,941,762, A>T on the plus strand (T>A on the coding strand, the complement: NOTCH2 is on the minus strand). VCF-style: chr1-119941762-A-T. GRCh37 (hg19) VCF-style: chr1-120484385-A-T.
Other names: c.2753-8T>A (NM_024408.3, NM_001200001.2).
Identifiers: ClinVar variation 2144553 (VCV002144553.5), dbSNP rs2526207496, ClinGen allele CA2574043586.